The following is an entry in ClinVar:

NM_052989.3(IFT122):c.321A>G (p.Gln107=)

Gene: IFT122 (intraflagellar transport 122; plus strand). Cytogenetic location: 3q21.3.
Variant type: single nucleotide variant.
Coding change: c.321A>G on transcript NM_052989.3 (MANE Select); coding-DNA position 321, A replaced by G.
Protein change: p.Gln107=; no amino-acid change (glutamine 107 retained).
Molecular consequence: synonymous variant. On other transcripts: 5 prime UTR variant (2), intron variant (1).
Genome position (GRCh38, 1-based): chr3:129,461,276, A>G. VCF-style: chr3-129461276-A-G. GRCh37 (hg19) VCF-style: chr3-129180119-A-G.
Other names: c.474A>G, p.Gln158= (NM_001280541.2, NM_052985.4); c.-130A>G (NM_001280545.2, NM_001280546.2); c.321A>G, p.Gln107= (NM_018262.4); c.194-2284A>G (NM_052990.3).
Identifiers: ClinVar variation 343233 (VCV000343233.50), dbSNP rs138793724, ClinGen allele CA2605834.
Genomic context (GRCh38, chr3:129,461,276, plus strand): 5'-TTTACTTCCCAGGCACAATGATGCTATACAATGTGTCTCCTACAATCCTATTACTCATCA[A>G]CTGGCATCTTGTTCCTCCAGTGACTTTGGTACGTTCTGATTCCTGATGTCCTGTCCTGGA-3'
Protein context (NP_443715.1, residues 97-117): QCVSYNPITH[Gln107=]LASCSSSDFG

ClinVar aggregate classification (germline): Benign/Likely benign. Review status: criteria provided, multiple submitters, no conflicts (2 of 4 stars). 8 submissions from 8 submitters: Benign (1); Likely benign (5). 2 of the submissions do not count toward it. Last evaluated 2026-02-01.

Conditions:
Cranioectodermal dysplasia 1 (CED1). Also called: LEVIN SYNDROME I. Identifiers: Orphanet 1515, MedGen C0432235, MONDO:0021093, OMIM 218330.
Connective tissue disorder. Also called: Connective tissue disease. Identifiers: MedGen C0009782, MONDO:0003900.

Allele frequency attached by ClinVar (database versions not stated): 1000 Genomes Project 0.00240; 1000 Genomes Project 30x 0.00265; gnomAD 0.00299; TOPMed 0.00451; ESP Exome Variant Server 0.00477.
gnomAD v4.1: 8,330 of 1,613,526 alleles (0.52%); highest among the groups gnomAD compares: Non-Finnish European, 0.63%; 36 homozygotes.

Submissions (18):

Labcorp Genetics (formerly Invitae), Labcorp
Classification: Benign for Cranioectodermal dysplasia 1. Last evaluated: 2026-02-01. Review status: criteria provided, single submitter. Criteria: Invitae Variant Classification Sherloc (09022015). Collection method: clinical testing. Allele origin: germline.

CeGaT Center for Human Genetics Tuebingen
Classification: Likely benign. Last evaluated: 2025-10-01. Review status: criteria provided, single submitter. Criteria: CeGaT Center For Human Genetics Tuebingen Variant Classification Criteria Version 2. Collection method: clinical testing. Allele origin: germline. Affected: yes. Observed: 2 variant alleles.
Comment: IFT122: BP4, BP7, BS2

Blueprint Genetics
Classification: Likely benign. Last evaluated: 2024-11-11. Review status: criteria provided, single submitter. Criteria: ACMG Guidelines, 2015. Collection method: clinical testing. Allele origin: germline.

GeneDx
Classification: Likely benign. Last evaluated: 2020-09-01. Review status: criteria provided, single submitter. Criteria: GeneDx Variant Classification Process June 2021. Collection method: clinical testing. Allele origin: germline. Affected: yes.

Genome Diagnostics Laboratory, The Hospital for Sick Children
Classification: Likely benign for Connective tissue disorder. Last evaluated: 2020-02-01. Review status: criteria provided, single submitter. Criteria: ACMG Guidelines, 2015. Collection method: clinical testing. Allele origin: germline.

Eurofins Ntd Llc (ga)
Classification: Likely benign. Last evaluated: 2017-10-23. Review status: criteria provided, single submitter. Criteria: EGL Classification Definitions 2015. Collection method: clinical testing. Allele origin: germline. Observed: 1 variant allele, 1 heterozygote.

Clinical Genetics DNA and cytogenetics Diagnostics Lab, Erasmus MC, Erasmus Medical Center
Classification: Likely benign. Review status: no assertion criteria provided. Collection method: clinical testing. Allele origin: germline. Affected: yes. Study: VKGL Data-share Consensus. Not counted in ClinVar's aggregate classification.

Dr. Peter K. Rogan Lab, Western University
No classification provided (evidence only). Condition: Familial cancer of breast. Review status: no classification provided. Collection method: in vitro. Allele origin: not applicable. Functional consequence: retained intron. Not counted in ClinVar's aggregate classification.

Dr. Peter K. Rogan Lab, Western University
No classification provided (evidence only). Condition: Acute myeloid leukemia. Review status: no classification provided. Collection method: in vitro. Allele origin: not applicable. Functional consequence: retained intron. Not counted in ClinVar's aggregate classification.

Dr. Peter K. Rogan Lab, Western University
No classification provided (evidence only). Condition: Acute myeloid leukemia. Review status: no classification provided. Collection method: in vitro. Allele origin: not applicable. Functional consequence: retained intron. Not counted in ClinVar's aggregate classification.

Dr. Peter K. Rogan Lab, Western University
No classification provided (evidence only). Condition: Colon adenocarcinoma. Review status: no classification provided. Collection method: in vitro. Allele origin: not applicable. Functional consequence: retained intron. Not counted in ClinVar's aggregate classification.

Dr. Peter K. Rogan Lab, Western University
No classification provided (evidence only). Condition: Colorectal cancer. Review status: no classification provided. Collection method: in vitro. Allele origin: not applicable. Functional consequence: retained intron. Not counted in ClinVar's aggregate classification.

Dr. Peter K. Rogan Lab, Western University
No classification provided (evidence only). Condition: Thyroid cancer, nonmedullary, 1. Review status: no classification provided. Collection method: in vitro. Allele origin: not applicable. Functional consequence: retained intron. Not counted in ClinVar's aggregate classification.

Dr. Peter K. Rogan Lab, Western University
No classification provided (evidence only). Condition: Thyroid cancer, nonmedullary, 1. Review status: no classification provided. Collection method: in vitro. Allele origin: not applicable. Functional consequence: retained intron. Not counted in ClinVar's aggregate classification.

Dr. Peter K. Rogan Lab, Western University
No classification provided (evidence only). Condition: Sarcoma. Review status: no classification provided. Collection method: in vitro. Allele origin: not applicable. Functional consequence: retained intron. Not counted in ClinVar's aggregate classification.

Dr. Peter K. Rogan Lab, Western University
No classification provided (evidence only). Condition: Hepatocellular carcinoma. Review status: no classification provided. Collection method: in vitro. Allele origin: not applicable. Functional consequence: retained intron. Not counted in ClinVar's aggregate classification.

Dr. Peter K. Rogan Lab, Western University
No classification provided (evidence only). Condition: Hepatocellular carcinoma. Review status: no classification provided. Collection method: in vitro. Allele origin: not applicable. Functional consequence: retained intron. Not counted in ClinVar's aggregate classification.

Genome Diagnostics Laboratory, University Medical Center Utrecht
Classification: Likely benign. Review status: no assertion criteria provided. Collection method: clinical testing. Allele origin: germline. Affected: yes. Study: VKGL Data-share Consensus. Not counted in ClinVar's aggregate classification.